The following is an entry in ClinVar:

ClinVar aggregate classification (germline): Uncertain significance (1 of 4 stars; one submission).

Conditions:
Usher syndrome type 2A. Also called: RETINAL DISEASE IN USHER SYNDROME TYPE IIA, MODIFIER OF; USHER SYNDROME, TYPE IIA. Identifiers: Orphanet 231178, Orphanet 886, MedGen C1848634, MONDO:0010169, OMIM 276901.

Allele frequency attached by ClinVar (database versions not stated): gnomAD 0.00001; TOPMed 0.00001.
gnomAD v4.1: 1 of 152,196 alleles (0.00066%); highest among the groups gnomAD compares: Non-Finnish European, 0.0015%; no homozygotes.

Submission:

Centre for Mendelian Genomics, University Medical Centre Ljubljana
Classification: Uncertain significance for Usher syndrome type 2A. Last evaluated: 2019-03-23. Review status: criteria provided, single submitter. Criteria: ACMG Guidelines, 2015. Collection method: clinical testing. Allele origin: unknown. Affected: yes.
Comment: This variant was classified as: Uncertain significance. The available evidence on this variant's pathogenicity is insufficient or conflicting. The following ACMG criteria were applied in classifying this variant: PM2,PP3.

NM_206933.4(USH2A):c.6805+195T>G

Gene: USH2A (usherin; minus strand). Cytogenetic location: 1q41.
Variant type: single nucleotide variant.
Coding change: c.6805+195T>G on transcript NM_206933.4 (MANE Select); 195 bases into the intron after coding-DNA position 6805, T replaced by G.
Molecular consequence: intron variant.
Genome position (GRCh38, 1-based): chr1:215,992,825, A>C on the plus strand (T>G on the coding strand, the complement: USH2A is on the minus strand). VCF-style: chr1-215992825-A-C. GRCh37 (hg19) VCF-style: chr1-216166167-A-C.
Identifiers: ClinVar variation 930330 (VCV000930330.3), dbSNP rs1193295201, ClinGen allele CA731399366.
Genomic context (GRCh38, chr1:215,992,825, plus strand): 5'-ACCTCTCCTGGAGCATATTAAACAATGAGATGCAGTACACAAAAACTATCAAAAGGGAGC[A>C]CTTTTGAGCCACCAAAATTGTGTGTTAGCCTAAAAACCACAATCTCCCCAACTAGAGACA-3'